The following is an entry in ClinVar:

NM_000254.3(MTR):c.3375G>A (p.Met1125Ile)

Gene: MTR (5-methyltetrahydrofolate-homocysteine methyltransferase; plus strand). Cytogenetic location: 1q43.
Variant type: single nucleotide variant.
Coding change: c.3375G>A on transcript NM_000254.3 (MANE Select); coding-DNA position 3375, G replaced by A.
Protein change: p.Met1125Ile; replaces methionine 1125 with isoleucine.
Molecular consequence: missense variant.
Genome position (GRCh38, 1-based): chr1:236,894,527, G>A. VCF-style: chr1-236894527-G-A. GRCh37 (hg19) VCF-style: chr1-237057827-G-A.
Other names: c.3222G>A, p.Met1074Ile (NM_001291939.1); c.2154G>A, p.Met718Ile (NM_001291940.2); c.3186G>A, p.Met1062Ile (NM_001410942.1); short protein forms M718I, M1125I, M1062I, M1074I.
Identifiers: ClinVar variation 1968060 (VCV001968060.3), dbSNP rs2528524228, ClinGen allele CA345389139.

ClinVar aggregate classification (germline): Uncertain significance. Review status: criteria provided, multiple submitters, no conflicts (2 of 4 stars). 2 submissions from 2 submitters: Uncertain significance (2). Last evaluated 2022-10-03.

Conditions:
Inborn genetic diseases. Identifiers: MedGen C0950123, MeSH D030342.
Methylcobalamin deficiency type cblG (HMAG). Also called: Functional methionine synthase deficiency type cblG; HOMOCYSTINURIA-MEGALOBLASTIC ANEMIA, cblG COMPLEMENTATION TYPE; HOMOCYSTINURIA-MEGALOBLASTIC ANEMIA, cblG TYPE; HOMOCYSTINURIA-MEGALOBLASTIC ANEMIA DUE TO DEFECT IN COBALAMIN METABOLISM, cblG COMPLEMENTATION TYPE. Identifiers: Orphanet 2170, Orphanet 622, MedGen C1855128, MONDO:0009609, OMIM 250940.

Submissions (2):

Ambry Genetics
Classification: Uncertain significance for Inborn genetic diseases. Last evaluated: 2022-10-03. Review status: criteria provided, single submitter. Criteria: Ambry Variant Classification Scheme 2023. Collection method: clinical testing. Allele origin: germline.

Labcorp Genetics (formerly Invitae), Labcorp
Classification: Uncertain significance for Methylcobalamin deficiency type cblG. Last evaluated: 2022-02-24. Review status: criteria provided, single submitter. Criteria: Invitae Variant Classification Sherloc (09022015). Collection method: clinical testing. Allele origin: germline.
Comment: This sequence change replaces methionine, which is neutral and non-polar, with isoleucine, which is neutral and non-polar, at codon 1125 of the MTR protein (p.Met1125Ile). This variant is not present in population databases (gnomAD no frequency). This variant has not been reported in the literature in individuals affected with MTR-related conditions. Algorithms developed to predict the effect of missense changes on protein structure and function are either unavailable or do not agree on the potential impact of this missense change (SIFT: "Deleterious"; PolyPhen-2: "Possibly Damaging"; Align-GVGD: "Class C0"). In summary, the available evidence is currently insufficient to determine the role of this variant in disease. Therefore, it has been classified as a Variant of Uncertain Significance.